The following is an entry in ClinVar:

NM_000275.3(OCA2):c.1045-15T>C

Gene: OCA2 (OCA2 melanosomal transmembrane protein; minus strand). Cytogenetic location: 15q13.1.
Variant type: single nucleotide variant.
Coding change: c.1045-15T>C on transcript NM_000275.3 (MANE Select); 15 bases into the intron before coding-DNA position 1045, T replaced by C.
Molecular consequence: intron variant.
Genome position (GRCh38, 1-based): chr15:27,990,662, A>G on the plus strand (T>C on the coding strand, the complement: OCA2 is on the minus strand). VCF-style: chr15-27990662-A-G. GRCh37 (hg19) VCF-style: chr15-28235808-A-G.
Other names: c.1045-996T>C (NM_001300984.2).
Identifiers: ClinVar variation 3029267 (VCV003029267.3), dbSNP rs779461179, ClinGen allele CA2166416501.

ClinVar aggregate classification (germline): Uncertain significance. Review status: criteria provided, single submitter (1 of 4 stars). 2 submissions from 2 submitters: Uncertain significance (1). 1 of the submissions does not count toward it. Last evaluated 2018-06-20.

Conditions:
OCA2-related disorder. Also called: OCA2-related condition.

Allele frequency attached by ClinVar (database versions not stated): TOPMed 0.00001.
gnomAD v4.1: 1 of 1,612,794 alleles (0.000062%); highest among the groups gnomAD compares: Non-Finnish European, 0.000085%; no homozygotes.

Submissions (2):

Blueprint Genetics
Classification: Uncertain significance. Last evaluated: 2018-06-20. Review status: criteria provided, single submitter. Criteria: ACMG Guidelines, 2015. Collection method: clinical testing. Allele origin: germline.

PreventionGenetics, part of Exact Sciences
Classification: Likely benign for OCA2-related condition. Last evaluated: 2021-05-19. Review status: no assertion criteria provided. Collection method: clinical testing. Allele origin: germline. Not counted in ClinVar's aggregate classification.
Comment: This variant is classified as likely benign based on ACMG/AMP sequence variant interpretation guidelines (Richards et al. 2015 PMID: 25741868, with internal and published modifications).